The following is an entry in ClinVar:

ClinVar aggregate classification (germline): Uncertain significance (1 of 4 stars; one submission).

Submission:

Labcorp Genetics (formerly Invitae), Labcorp
Classification: Uncertain significance. Last evaluated: 2025-05-21. Review status: criteria provided, single submitter. Criteria: Invitae Variant Classification Sherloc (09022015). Collection method: clinical testing. Allele origin: germline.
Comment: This sequence change replaces isoleucine, which is neutral and non-polar, with methionine, which is neutral and non-polar, at codon 114 of the IL23R protein (p.Ile114Met). This variant is not present in population databases (gnomAD no frequency). This variant has not been reported in the literature in individuals affected with IL23R-related conditions. An algorithm developed to predict the effect of missense changes on protein structure and function (PolyPhen-2) suggests that this variant is likely to be disruptive. In summary, the available evidence is currently insufficient to determine the role of this variant in disease. Therefore, it has been classified as a Variant of Uncertain Significance.

NM_144701.3(IL23R):c.342A>G (p.Ile114Met)

Gene: IL23R (interleukin 23 receptor; plus strand). Cytogenetic location: 1p31.3.
Variant type: single nucleotide variant.
Coding change: c.342A>G on transcript NM_144701.3 (MANE Select); coding-DNA position 342, A replaced by G.
Protein change: p.Ile114Met; replaces isoleucine 114 with methionine.
Molecular consequence: missense variant.
Genome position (GRCh38, 1-based): chr1:67,169,613, A>G. VCF-style: chr1-67169613-A-G. GRCh37 (hg19) VCF-style: chr1-67635296-A-G.
Other names: short protein forms I114M.
Identifiers: ClinVar variation 4719614 (VCV004719614.1).